The following is an entry in ClinVar:

ClinVar aggregate classification (germline): Uncertain significance. Review status: criteria provided, multiple submitters, no conflicts (2 of 4 stars). 3 submissions from 3 submitters: Uncertain significance (3). Last evaluated 2026-02-25.

Conditions:
Breast-ovarian cancer, familial, susceptibility to, 5 (BROVCA5). Identifiers: MedGen C5830615, MONDO:0957530, OMIM 620442.
Hereditary cancer-predisposing syndrome. Also called: Neoplastic Syndromes, Hereditary; Hereditary neoplastic syndrome; Tumor predisposition; Hereditary Cancer Syndrome. Identifiers: Orphanet 140162, MedGen C0027672, MeSH D009386, MONDO:0015356.
Familial cancer of breast. Also called: Hereditary breast cancer; BREAST CANCER, FAMILIAL; hereditary breast carcinoma. Identifiers: Orphanet 227535, MedGen C0346153, MONDO:0016419, OMIM 114480. Disease mechanism: loss of function.

Submissions (3):

Ambry Genetics
Classification: Uncertain significance for Hereditary cancer-predisposing syndrome. Last evaluated: 2026-02-25. Review status: criteria provided, single submitter. Criteria: Ambry Variant Classification Scheme 2023. Collection method: clinical testing. Allele origin: germline.
Comment: The p.K555N variant (also known as c.1665A>T), located in coding exon 4 of the PALB2 gene, results from an A to T substitution at nucleotide position 1665. The lysine at codon 555 is replaced by asparagine, an amino acid with similar properties. This amino acid position is conserved. In addition, this alteration is predicted to be tolerated by in silico analysis. Based on the available evidence, the clinical significance of this variant remains unclear.

KCCC/NGS Laboratory, Kuwait Cancer Control Center
Classification: Uncertain significance for Breast-ovarian cancer, familial, susceptibility to, 5. Last evaluated: 2024-06-20. Review status: criteria provided, single submitter. Criteria: ACMG Guidelines, 2015. Collection method: clinical testing. Allele origin: germline. Inheritance: Autosomal dominant inheritance. Affected: yes. Observed: 1 heterozygote.
Comment: This sequence change replaces lysine, which is basic and polar, with asparagine, which is neutral and polar, at codon 555 of the PALB2 protein (p.Lys555Asn). This variant has not been reported in the literature in individuals affected with PALB2-related conditions. This variant is not present in population databases (gnomAD no frequency). ClinVar contains an entry for this variant (Variation ID: 650470). In addition, this alteration is predicted to be tolerated by in silico analysis. In summary, the available evidence is currently insufficient to determine the role of this variant in disease. Therefore, it has been classified as a Variant of Uncertain Significance.

Labcorp Genetics (formerly Invitae), Labcorp
Classification: Uncertain significance for Familial cancer of breast. Last evaluated: 2023-03-24. Review status: criteria provided, single submitter. Criteria: Invitae Variant Classification Sherloc (09022015). Collection method: clinical testing. Allele origin: germline.
Comment: This sequence change replaces lysine, which is basic and polar, with asparagine, which is neutral and polar, at codon 555 of the PALB2 protein (p.Lys555Asn). This variant is not present in population databases (gnomAD no frequency). This variant has not been reported in the literature in individuals affected with PALB2-related conditions. ClinVar contains an entry for this variant (Variation ID: 650470). Advanced modeling of protein sequence and biophysical properties (such as structural, functional, and spatial information, amino acid conservation, physicochemical variation, residue mobility, and thermodynamic stability) performed at Invitae indicates that this missense variant is not expected to disrupt PALB2 protein function. In summary, the available evidence is currently insufficient to determine the role of this variant in disease. Therefore, it has been classified as a Variant of Uncertain Significance.

NM_024675.4(PALB2):c.1665A>T (p.Lys555Asn)

Gene: PALB2 (partner and localizer of BRCA2; minus strand). Cytogenetic location: 16p12.2.
Variant type: single nucleotide variant.
Coding change: c.1665A>T on transcript NM_024675.4 (MANE Select); coding-DNA position 1665, A replaced by T.
Protein change: p.Lys555Asn; replaces lysine 555 with asparagine.
Molecular consequence: missense variant.
Genome position (GRCh38, 1-based): chr16:23,634,881, T>A on the plus strand (A>T on the coding strand, the complement: PALB2 is on the minus strand). VCF-style: chr16-23634881-T-A. GRCh37 (hg19) VCF-style: chr16-23646202-T-A.
Other names: short protein forms K555N.
Identifiers: ClinVar variation 650470 (VCV000650470.11), dbSNP rs45518838, ClinGen allele CA279497996.
Genomic context (GRCh38, chr16:23,634,881, plus strand): 5'-TCATCATCATCATCATCATCATCAAACACATCTTGATTTACCTTTCACTTGAATAAATAA[T>A]TTTTCGTGCTGATATTTGTGTGAGGTGACTTCTTCCTTGGACCTGTTAACAATCGACAGG-3'
Protein context (NP_078951.2, residues 545-565): EVTSHKYQHE[Lys555Asn]LFIQVKGKKS